The following is an entry in ClinVar:

NM_024675.4(PALB2):c.57G>C (p.Glu19Asp)

Gene: PALB2 (partner and localizer of BRCA2; minus strand). Cytogenetic location: 16p12.2.
Variant type: single nucleotide variant.
Coding change: c.57G>C on transcript NM_024675.4 (MANE Select); coding-DNA position 57, G replaced by C.
Protein change: p.Glu19Asp; replaces glutamic acid 19 with aspartic acid.
Molecular consequence: missense variant.
Genome position (GRCh38, 1-based): chr16:23,638,121, C>G on the plus strand (G>C on the coding strand, the complement: PALB2 is on the minus strand). VCF-style: chr16-23638121-C-G. GRCh37 (hg19) VCF-style: chr16-23649442-C-G.
Other names: short protein forms E19D.
Identifiers: ClinVar variation 1444734 (VCV001444734.14), dbSNP rs1967112979, ClinGen allele CA395139951.
Genomic context (GRCh38, chr16:23,638,121, plus strand): 5'-TTCACTTACCTGAAGGCGGGCTAGTGTCTTGCTGTATTCCCTTTTCAAGAATGCTAATTT[C>G]TCCTTTAACTGGAAGAAGAAAAACACCAACAATACTGGGCAAGTGGAAAGGTGGAGTCAG-3'
Protein context (NP_078951.2, residues 9-29): LSCEEKEKLK[Glu19Asp]KLAFLKREYS

ClinVar aggregate classification (germline): Uncertain significance. Review status: criteria provided, multiple submitters, no conflicts (2 of 4 stars). 3 submissions from 3 submitters: Uncertain significance (3). Last evaluated 2025-04-19.

Conditions:
Familial cancer of breast. Also called: hereditary breast carcinoma; Hereditary breast cancer; BREAST CANCER, FAMILIAL. Identifiers: Orphanet 227535, MedGen C0346153, MONDO:0016419, OMIM 114480. Disease mechanism: loss of function.
Hereditary cancer-predisposing syndrome. Also called: Tumor predisposition; Hereditary Cancer Syndrome; Hereditary neoplastic syndrome; Neoplastic Syndromes, Hereditary. Identifiers: Orphanet 140162, MedGen C0027672, MeSH D009386, MONDO:0015356.

Allele frequency attached by ClinVar (database versions not stated): gnomAD exomes below 0.00001.
gnomAD v4.1: 1 of 1,613,844 alleles (0.000062%); highest among the groups gnomAD compares: Non-Finnish European, 0.000085%; no homozygotes.

Submissions (3):

Ambry Genetics
Classification: Uncertain significance for Hereditary cancer-predisposing syndrome. Last evaluated: 2025-04-19. Review status: criteria provided, single submitter. Criteria: Ambry Variant Classification Scheme 2023. Collection method: clinical testing. Allele origin: germline.
Comment: The p.E19D variant (also known as c.57G>C), located in coding exon 2 of the PALB2 gene, results from a G to C substitution at nucleotide position 57. The glutamic acid at codon 19 is replaced by aspartic acid, an amino acid with highly similar properties. This amino acid position is conserved. In addition, this alteration is predicted to be tolerated by in silico analysis. Since supporting evidence is limited at this time, the clinical significance of this alteration remains unclear.

Labcorp Genetics (formerly Invitae), Labcorp
Classification: Uncertain significance for Familial cancer of breast. Last evaluated: 2024-10-06. Review status: criteria provided, single submitter. Criteria: Invitae Variant Classification Sherloc (09022015). Collection method: clinical testing. Allele origin: germline.
Comment: This sequence change replaces glutamic acid, which is acidic and polar, with aspartic acid, which is acidic and polar, at codon 19 of the PALB2 protein (p.Glu19Asp). This variant is not present in population databases (gnomAD no frequency). This variant has not been reported in the literature in individuals affected with PALB2-related conditions. ClinVar contains an entry for this variant (Variation ID: 1444734). An algorithm developed to predict the effect of missense changes on protein structure and function (PolyPhen-2) suggests that this variant is likely to be disruptive. In summary, the available evidence is currently insufficient to determine the role of this variant in disease. Therefore, it has been classified as a Variant of Uncertain Significance.

Color Diagnostics, LLC DBA Color Health
Classification: Uncertain significance for Hereditary cancer-predisposing syndrome. Last evaluated: 2024-03-07. Review status: criteria provided, single submitter. Criteria: ACMG Guidelines, 2015. Collection method: clinical testing. Allele origin: germline.
Comment: This missense variant replaces glutamic acid with aspartic acid at codon 19 of the PALB2 protein. Computational prediction suggests that this variant may not impact protein structure and function (internally defined REVEL score threshold <= 0.5, PMID: 27666373). To our knowledge, functional studies have not been reported for this variant. This variant has not been reported in individuals affected with hereditary cancer in the literature. This variant has not been identified in the general population by the Genome Aggregation Database (gnomAD). The available evidence is insufficient to determine the role of this variant in disease conclusively. Therefore, this variant is classified as a Variant of Uncertain Significance.